The following is an entry in ClinVar:

NM_173630.4(RTTN):c.2345A>T (p.His782Leu)

Gene: RTTN (rotatin; minus strand). Cytogenetic location: 18q22.2.
Variant type: single nucleotide variant.
Coding change: c.2345A>T on transcript NM_173630.4 (MANE Select); coding-DNA position 2345, A replaced by T.
Protein change: p.His782Leu; replaces histidine 782 with leucine.
Molecular consequence: missense variant. On other transcripts: 5 prime UTR variant (1).
Genome position (GRCh38, 1-based): chr18:70,145,748, T>A on the plus strand (A>T on the coding strand, the complement: RTTN is on the minus strand). VCF-style: chr18-70145748-T-A. GRCh37 (hg19) VCF-style: chr18-67812984-T-A.
Other names: c.-303A>T (NM_001318520.2); short protein forms H782L.
Identifiers: ClinVar variation 1984162 (VCV001984162.4), dbSNP rs372963008, ClinGen allele CA301923371.
Genomic context (GRCh38, chr18:70,145,748, plus strand): 5'-GAGAGAACTCTGGCGTCTATTAGAGGACGCTTTGTATCAGCCCCTTCTTCACTGGTAAGA[T>A]GGAATGCTAAAAGCTTTAATGCTAGCGAACGGACCCTGAGAACACAAAGTACTTAAGTCG-3'
Protein context (NP_775901.3, residues 772-792): RSLALKLLAF[His782Leu]LTSEEGADTK

ClinVar aggregate classification (germline): Uncertain significance (1 of 4 stars; one submission).

Allele frequency attached by ClinVar (database versions not stated): gnomAD exomes below 0.00001; gnomAD 0.00001; ESP Exome Variant Server 0.00008.
gnomAD v4.1: 6 of 1,612,784 alleles (0.00037%); highest among the groups gnomAD compares: Admixed American, 0.0017%; no homozygotes.

Submission:

Labcorp Genetics (formerly Invitae), Labcorp
Classification: Uncertain significance. Last evaluated: 2022-05-27. Review status: criteria provided, single submitter. Criteria: Invitae Variant Classification Sherloc (09022015). Collection method: clinical testing. Allele origin: germline.
Comment: In summary, the available evidence is currently insufficient to determine the role of this variant in disease. Therefore, it has been classified as a Variant of Uncertain Significance. Algorithms developed to predict the effect of sequence changes on RNA splicing suggest that this variant may create or strengthen a splice site. Algorithms developed to predict the effect of missense changes on protein structure and function output the following: SIFT: "Tolerated"; PolyPhen-2: "Benign"; Align-GVGD: "Class C0". The leucine amino acid residue is found in multiple mammalian species, which suggests that this missense change does not adversely affect protein function. This variant has not been reported in the literature in individuals affected with RTTN-related conditions. This variant is present in population databases (rs372963008, gnomAD 0.003%). This sequence change replaces histidine, which is basic and polar, with leucine, which is neutral and non-polar, at codon 782 of the RTTN protein (p.His782Leu).